The following is an entry in ClinVar:

NM_000037.4(ANK1):c.2347A>G (p.Thr783Ala)

Genes: ANK1 (ankyrin 1; minus strand), LOC130000286 (ATAC-STARR-seq lymphoblastoid active region 27293; plus strand). Cytogenetic location: 8p11.21.
Variant type: single nucleotide variant.
Coding change: c.2347A>G on transcript NM_000037.4 (MANE Select); coding-DNA position 2347, A replaced by G.
Protein change: p.Thr783Ala; replaces threonine 783 with alanine.
Molecular consequence: missense variant.
Genome position (GRCh38, 1-based): chr8:41,702,093, T>C on the plus strand (A>G on the coding strand, the complement: ANK1 is on the minus strand). VCF-style: chr8-41702093-T-C. GRCh37 (hg19) VCF-style: chr8-41559611-T-C.
Other names: c.2446A>G, p.Thr816Ala (NM_001142446.2); c.2347A>G, p.Thr783Ala (NM_020475.3, NM_020476.3, NM_020477.3); short protein forms T783A, T816A.
Identifiers: ClinVar variation 1377747 (VCV001377747.6), dbSNP rs1822994728, ClinGen allele CA371065336.

ClinVar aggregate classification (germline): Uncertain significance (1 of 4 stars; one submission).

Allele frequency attached by ClinVar (database versions not stated): gnomAD exomes below 0.00001; TOPMed 0.00001.
gnomAD v4.1: 2 of 1,614,138 alleles (0.00012%); highest among the groups gnomAD compares: Non-Finnish European, 0.000085%; no homozygotes.

Submission:

Labcorp Genetics (formerly Invitae), Labcorp
Classification: Uncertain significance. Last evaluated: 2021-12-10. Review status: criteria provided, single submitter. Criteria: Invitae Variant Classification Sherloc (09022015). Collection method: clinical testing. Allele origin: germline.
Comment: In summary, the available evidence is currently insufficient to determine the role of this variant in disease. Therefore, it has been classified as a Variant of Uncertain Significance. Algorithms developed to predict the effect of missense changes on protein structure and function (SIFT, PolyPhen-2, Align-GVGD) all suggest that this variant is likely to be tolerated. This variant has not been reported in the literature in individuals affected with ANK1-related conditions. This variant is not present in population databases (gnomAD no frequency). This sequence change replaces threonine, which is neutral and polar, with alanine, which is neutral and non-polar, at codon 783 of the ANK1 protein (p.Thr783Ala).